The following is an entry in ClinVar:

NM_021830.5(TWNK):c.1837G>C (p.Asp613His)

Gene: TWNK (twinkle mtDNA helicase; plus strand). Cytogenetic location: 10q24.31.
Variant type: single nucleotide variant.
Coding change: c.1837G>C on transcript NM_021830.5 (MANE Select); coding-DNA position 1837, G replaced by C.
Protein change: p.Asp613His; replaces aspartic acid 613 with histidine.
Molecular consequence: missense variant. On other transcripts: 3 prime UTR variant (2), non-coding transcript variant (5).
Genome position (GRCh38, 1-based): chr10:100,993,292, G>C. VCF-style: chr10-100993292-G-C. GRCh37 (hg19) VCF-style: chr10-102753049-G-C.
Other names: c.*132G>C (NM_001163812.2, NM_001163814.2); c.475G>C, p.Asp159His (NM_001163813.2, NM_001368275.1); short protein forms D159H, D613H.
Identifiers: ClinVar variation 2972466 (VCV002972466.3), dbSNP rs758995089, ClinGen allele CA5653352.

ClinVar aggregate classification (germline): Uncertain significance (1 of 4 stars; one submission).

Allele frequency attached by ClinVar (database versions not stated): gnomAD exomes below 0.00001; ExAC 0.00001; gnomAD 0.00001; TOPMed 0.00001.
gnomAD v4.1: 3 of 1,614,134 alleles (0.00019%); highest among the groups gnomAD compares: African/African-American, 0.0027%; no homozygotes.

Submission:

Labcorp Genetics (formerly Invitae), Labcorp
Classification: Uncertain significance. Last evaluated: 2024-08-21. Review status: criteria provided, single submitter. Criteria: Invitae Variant Classification Sherloc (09022015). Collection method: clinical testing. Allele origin: germline.
Comment: This sequence change replaces aspartic acid, which is acidic and polar, with histidine, which is basic and polar, at codon 613 of the TWNK protein (p.Asp613His). This variant is present in population databases (rs758995089, gnomAD 0.007%). This variant has not been reported in the literature in individuals affected with TWNK-related conditions. Invitae Evidence Modeling of protein sequence and biophysical properties (such as structural, functional, and spatial information, amino acid conservation, physicochemical variation, residue mobility, and thermodynamic stability) indicates that this missense variant is expected to disrupt TWNK protein function with a positive predictive value of 95%. In summary, the available evidence is currently insufficient to determine the role of this variant in disease. Therefore, it has been classified as a Variant of Uncertain Significance.